The following is an entry in ClinVar:

ClinVar aggregate classification (germline): Uncertain significance (1 of 4 stars; one submission).

Allele frequency attached by ClinVar (database versions not stated): TOPMed below 0.00001.

Submission:

Labcorp Genetics (formerly Invitae), Labcorp
Classification: Uncertain significance. Last evaluated: 2023-07-17. Review status: criteria provided, single submitter. Criteria: Invitae Variant Classification Sherloc (09022015). Collection method: clinical testing. Allele origin: germline.
Comment: In summary, the available evidence is currently insufficient to determine the role of this variant in disease. Therefore, it has been classified as a Variant of Uncertain Significance. Advanced modeling of protein sequence and biophysical properties (such as structural, functional, and spatial information, amino acid conservation, physicochemical variation, residue mobility, and thermodynamic stability) performed at Invitae indicates that this missense variant is not expected to disrupt ABL1 protein function. This variant has not been reported in the literature in individuals affected with ABL1-related conditions. This variant is not present in population databases (gnomAD no frequency). This sequence change replaces serine, which is neutral and polar, with asparagine, which is neutral and polar, at codon 936 of the ABL1 protein (p.Ser936Asn).

NM_005157.6(ABL1):c.2750G>A (p.Ser917Asn)

Gene: ABL1 (ABL proto-oncogene 1, non-receptor tyrosine kinase; plus strand). Cytogenetic location: 9q34.12.
Variant type: single nucleotide variant.
Coding change: c.2750G>A on transcript NM_005157.6 (MANE Select); coding-DNA position 2750, G replaced by A.
Protein change: p.Ser917Asn; replaces serine 917 with asparagine.
Molecular consequence: missense variant.
Genome position (GRCh38, 1-based): chr9:130,885,040, G>A. VCF-style: chr9-130885040-G-A. GRCh37 (hg19) VCF-style: chr9-133760427-G-A.
Other names: c.2807G>A, p.Ser936Asn (NM_007313.3); short protein forms S936N, S917N.
Identifiers: ClinVar variation 2744327 (VCV002744327.3), dbSNP rs1831545860, ClinGen allele CA375258272.